The following is an entry in ClinVar:

NM_018896.5(CACNA1G):c.6060+2T>A

Gene: CACNA1G (calcium voltage-gated channel subunit alpha1 G; plus strand). Cytogenetic location: 17q21.33.
Variant type: single nucleotide variant.
Coding change: c.6060+2T>A on transcript NM_018896.5 (MANE Select); the canonical splice donor site of the intron after coding-DNA position 6060, T replaced by A.
Molecular consequence: splice donor variant. On other transcripts: intron variant (24).
Genome position (GRCh38, 1-based): chr17:50,621,796, T>A. VCF-style: chr17-50621796-T-A. GRCh37 (hg19) VCF-style: chr17-48699157-T-A.
Other names: c.5803-2111T>A (NM_001256325.2); c.6027+2T>A (NM_198377.3); c.5892+1970T>A (NM_198380.3); c.5749-2111T>A (NM_198378.3, NM_001256334.2); c.5925+1970T>A (NM_198385.3); c.5782-2111T>A (NM_198384.3, NM_001256333.2); c.5761-2111T>A (NM_001256327.2); c.5871+1970T>A (NM_001256324.2); and 15 more.
Identifiers: ClinVar variation 3368023 (VCV003368023.1).
Genomic context (GRCh38, chr17:50,621,796, plus strand): 5'-CGGATGACTCTTTGCCTGATGACATGCACACACTCTTACTTAGTGCCCTGGAGAGCAATG[T>A]ACATACACACTGCCCTCACTGCTCCCGGCCACCCCCGGGGCTGGACTGGCTGCAGGGCTC-3'

ClinVar aggregate classification (germline): Uncertain significance (1 of 4 stars; one submission).

Submission:

GeneDx
Classification: Uncertain significance. Last evaluated: 2024-01-16. Review status: criteria provided, single submitter. Criteria: GeneDx Variant Classification Process June 2021. Collection method: clinical testing. Allele origin: germline. Affected: yes.
Comment: Not observed at significant frequency in large population cohorts (gnomAD); Has not been previously published as pathogenic or benign to our knowledge; Canonical splice site variant in a gene for which loss-of-function is not a known mechanism of disease